The following is an entry in ClinVar:

ClinVar aggregate classification (germline): Uncertain significance. Review status: criteria provided, multiple submitters, no conflicts (2 of 4 stars). 6 submissions from 6 submitters: Uncertain significance (6). Last evaluated 2025-12-31.

Conditions:
Hereditary nonpolyposis colorectal neoplasms. Identifiers: MedGen C0009405, MeSH D003123.
Mismatch repair cancer syndrome 3. Identifiers: MedGen C5436807, MONDO:0030841, OMIM 619097.
Hereditary cancer-predisposing syndrome. Also called: Tumor predisposition; Hereditary Cancer Syndrome; Hereditary neoplastic syndrome; Neoplastic Syndromes, Hereditary. Identifiers: Orphanet 140162, MedGen C0027672, MeSH D009386, MONDO:0015356.
Lynch syndrome. Identifiers: Orphanet 144, MedGen C4552100, MONDO:0005835. Disease mechanism: loss of function.

Submissions (6):

Labcorp Genetics (formerly Invitae), Labcorp
Classification: Uncertain significance for Hereditary nonpolyposis colorectal neoplasms. Last evaluated: 2025-12-31. Review status: criteria provided, single submitter. Criteria: Invitae Variant Classification Sherloc (09022015). Collection method: clinical testing. Allele origin: germline.
Comment: This sequence change replaces glutamic acid, which is acidic and polar, with aspartic acid, which is acidic and polar, at codon 755 of the MSH6 protein (p.Glu755Asp). This variant is not present in population databases (gnomAD no frequency). This variant has not been reported in the literature in individuals affected with MSH6-related conditions. ClinVar contains an entry for this variant (Variation ID: 485862). Invitae Evidence Modeling of protein sequence and biophysical properties (such as structural, functional, and spatial information, amino acid conservation, physicochemical variation, residue mobility, and thermodynamic stability) indicates that this missense variant is not expected to disrupt MSH6 protein function with a negative predictive value of 95%. In summary, the available evidence is currently insufficient to determine the role of this variant in disease. Therefore, it has been classified as a Variant of Uncertain Significance.

Quest Diagnostics Nichols Institute San Juan Capistrano
Classification: Uncertain significance. Last evaluated: 2025-09-18. Review status: criteria provided, single submitter. Criteria: Quest Diagnostics criteria. Collection method: clinical testing. Allele origin: unknown.
Comment: The MSH6 c.2265A>C (p.Glu755Asp) variant has not been reported in individuals with MSH6-related conditions in the published literature. This variant has not been reported in large, multi-ethnic general populations (Genome Aggregation Database). Analysis of this variant using bioinformatics tools for the prediction of the effect of amino acid changes on protein structure and function yielded conflicting predictions that this variant is benign or damaging. Based on the available information, we are unable to determine the clinical significance of this variant.

Ambry Genetics
Classification: Uncertain significance for Hereditary cancer-predisposing syndrome. Last evaluated: 2024-10-03. Review status: criteria provided, single submitter. Criteria: Ambry Variant Classification Scheme 2023. Collection method: clinical testing. Allele origin: germline.
Comment: The p.E755D variant (also known as c.2265A>C), located in coding exon 4 of the MSH6 gene, results from an A to C substitution at nucleotide position 2265. The glutamic acid at codon 755 is replaced by aspartic acid, an amino acid with highly similar properties. The amino acid position is highly conserved in available vertebrate species. In addition, the in silico prediction for this alteration is inconclusive. Since supporting evidence is limited at this time, the clinical significance of this alteration remains unclear.

Department of Pathology and Laboratory Medicine, Sinai Health System
Classification: Uncertain significance for Mismatch repair cancer syndrome 3. Last evaluated: 2024-01-22. Review status: criteria provided, single submitter. Criteria: ACMG Guidelines, 2015. Collection method: clinical testing. Allele origin: germline. Affected: yes.

All of Us Research Program, National Institutes of Health
Classification: Uncertain significance for Lynch syndrome. Last evaluated: 2023-12-13. Review status: criteria provided, single submitter. Criteria: ACMG Guidelines, 2015. Collection method: clinical testing. Allele origin: germline. Inheritance: Autosomal dominant inheritance. Observed: 1 variant allele, 1 heterozygote.
Comment: This missense variant replaces glutamic acid with aspartic acid at codon 755 of the MSH6 protein. Computational prediction is inconclusive regarding the impact of this variant on protein structure and function (internally defined REVEL score threshold 0.5 < inconclusive < 0.7, PMID: 27666373). To our knowledge, functional studies have not been reported for this variant. This variant has not been reported in individuals affected with MSH6-related disorders in the literature. This variant has not been identified in the general population by the Genome Aggregation Database (gnomAD). The available evidence is insufficient to determine the role of this variant in disease conclusively. Therefore, this variant is classified as a Variant of Uncertain Significance.

This study involves interpretation of variants in research participants for the purpose of population health screening. Participant phenotype was not available at the time of variant classification. Additional details can be found in publication PMID: 35346344, PMCID: PMC8962531

GeneDx
Classification: Uncertain significance. Last evaluated: 2021-04-20. Review status: criteria provided, single submitter. Criteria: GeneDx Variant Classification Process June 2021. Collection method: clinical testing. Allele origin: germline. Affected: yes.
Comment: Not observed in large population cohorts (Lek et al., 2016); In silico analysis supports that this missense variant does not alter protein structure/function; Has not been previously published as pathogenic or benign to our knowledge

NM_000179.3(MSH6):c.2265A>C (p.Glu755Asp)

Gene: MSH6 (mutS homolog 6; plus strand). Cytogenetic location: 2p16.3.
Variant type: single nucleotide variant.
Coding change: c.2265A>C on transcript NM_000179.3 (MANE Select); coding-DNA position 2265, A replaced by C.
Protein change: p.Glu755Asp; replaces glutamic acid 755 with aspartic acid.
Molecular consequence: missense variant.
Genome position (GRCh38, 1-based): chr2:47,800,248, A>C. VCF-style: chr2-47800248-A-C. GRCh37 (hg19) VCF-style: chr2-48027387-A-C.
Other names: c.1875A>C, p.Glu625Asp (NM_001281492.2); c.1359A>C, p.Glu453Asp (NM_001281493.2, NM_001281494.2); short protein forms E755D, E625D, E453D.
Identifiers: ClinVar variation 485862 (VCV000485862.18), dbSNP rs1553413644, ClinGen allele CA346752788.
Genomic context (GRCh38, chr2:47,800,248, plus strand): 5'-AGATGCAGTGACATTAAACAACTTGGAGATTTTTCTGAATGGAACAAATGGTTCTACTGA[A>C]GGAACCCTACTAGAGAGGGTTGATACTTGCCATACTCCTTTTGGTAAGCGGCTCCTAAAG-3'
Protein context (NP_000170.1, residues 745-765): IFLNGTNGST[Glu755Asp]GTLLERVDTC